The following is an entry in ClinVar:

NM_016038.4(SBDS):c.343G>C (p.Val115Leu)

Gene: SBDS (SBDS ribosome maturation factor; minus strand). Cytogenetic location: 7q11.21.
Variant type: single nucleotide variant.
Coding change: c.343G>C on transcript NM_016038.4 (MANE Select); coding-DNA position 343, G replaced by C.
Protein change: p.Val115Leu; replaces valine 115 with leucine.
Molecular consequence: missense variant.
Genome position (GRCh38, 1-based): chr7:66,993,333, C>G on the plus strand (G>C on the coding strand, the complement: SBDS is on the minus strand). VCF-style: chr7-66993333-C-G. GRCh37 (hg19) VCF-style: chr7-66458320-C-G.
Other names: short protein forms V115L.
Identifiers: ClinVar variation 4630231 (VCV004630231.1).

ClinVar aggregate classification (germline): Uncertain significance (1 of 4 stars; one submission).

Conditions:
Inborn genetic diseases. Identifiers: MedGen C0950123, MeSH D030342.

Submission:

Ambry Genetics
Classification: Uncertain significance for Inborn genetic diseases. Last evaluated: 2025-10-29. Review status: criteria provided, single submitter. Criteria: Ambry Variant Classification Scheme 2023. Collection method: clinical testing. Allele origin: germline.
Comment: The p.V115L variant (also known as c.343G>C), located in coding exon 3 of the SBDS gene, results from a G to C substitution at nucleotide position 343. The valine at codon 115 is replaced by leucine, an amino acid with highly similar properties. This amino acid position is conserved. In addition, the in silico prediction for this alteration is inconclusive. Based on the available evidence, the clinical significance of this variant remains unclear.